The following is an entry in ClinVar:

NM_203447.4(DOCK8):c.1045-17A>T

Gene: DOCK8 (dedicator of cytokinesis 8; plus strand). Cytogenetic location: 9p24.3.
Variant type: single nucleotide variant.
Coding change: c.1045-17A>T on transcript NM_203447.4 (MANE Select); 17 bases into the intron before coding-DNA position 1045, A replaced by T.
Molecular consequence: intron variant.
Genome position (GRCh38, 1-based): chr9:332,381, A>T. VCF-style: chr9-332381-A-T. GRCh37 (hg19) VCF-style: chr9-332381-A-T.
Other names: c.841-17A>T (NM_001193536.2, NM_001190458.2).
Identifiers: ClinVar variation 507683 (VCV000507683.10), dbSNP rs754140228, ClinGen allele CA4957591.

ClinVar aggregate classification (germline): Likely benign. Review status: criteria provided, multiple submitters, no conflicts (2 of 4 stars). 3 submissions from 3 submitters: Likely benign (3). Last evaluated 2024-11-10.

Conditions:
Combined immunodeficiency due to DOCK8 deficiency (HIES2). Also called: HIES autosomal recessive; HYPER-IgE RECURRENT INFECTION SYNDROME 2, AUTOSOMAL RECESSIVE; DOCK8 Deficiency; Hyper-IgE recurrent infection syndrome, autosomal recessive; HYPER-IgE SYNDROME 2, AUTOSOMAL RECESSIVE, WITH RECURRENT INFECTIONS. Identifiers: Orphanet 217390, MedGen C4722305, MONDO:0009478, OMIM 243700.

Allele frequency attached by ClinVar (database versions not stated): gnomAD 0.00001; TOPMed 0.00001.
gnomAD v4.1: 10 of 1,571,114 alleles (0.00064%); highest among the groups gnomAD compares: Non-Finnish European, 0.00079%; no homozygotes.

Submissions (3):

Labcorp Genetics (formerly Invitae), Labcorp
Classification: Likely benign for Combined immunodeficiency due to DOCK8 deficiency. Last evaluated: 2024-11-10. Review status: criteria provided, single submitter. Criteria: Invitae Variant Classification Sherloc (09022015). Collection method: clinical testing. Allele origin: germline.

Blueprint Genetics
Classification: Likely benign. Last evaluated: 2024-05-27. Review status: criteria provided, single submitter. Criteria: ACMG Guidelines, 2015. Collection method: clinical testing. Allele origin: germline.

GeneDx
Classification: Likely benign. Last evaluated: 2017-02-22. Review status: criteria provided, single submitter. Criteria: GeneDx Variant Classification (06012015). Collection method: clinical testing. Allele origin: germline. Affected: yes.
Comment: This variant is considered likely benign or benign based on one or more of the following criteria: it is a conservative change, it occurs at a poorly conserved position in the protein, it is predicted to be benign by multiple in silico algorithms, and/or has population frequency not consistent with disease.